The following is an entry in ClinVar:

ClinVar aggregate classification (germline): Uncertain significance (1 of 4 stars; one submission).

Conditions:
Spastic paraplegia-severe developmental delay-epilepsy syndrome. Also called: Spastic paraplegia and psychomotor retardation with or without seizures. Identifiers: Orphanet 464282, MedGen C4225215, MONDO:0014764, OMIM 616756.

gnomAD v4.1: 3 of 1,260,758 alleles (0.00024%); highest among the groups gnomAD compares: Non-Finnish European, 0.00035%; no homozygotes.

Submission:

Victorian Clinical Genetics Services, Murdoch Childrens Research Institute
Classification: Uncertain significance for Spastic paraplegia-severe developmental delay-epilepsy syndrome. Last evaluated: 2026-02-12. Review status: criteria provided, single submitter. Criteria: ACMG Guidelines, 2015. Collection method: clinical testing. Allele origin: germline. Affected: yes.
Comment: This variant is classified as VUS-3A. Evidence in support of pathogenic classification: Variant is present in gnomAD <0.01 for a recessive condition (v4: 3 heterozygote(s), 0 homozygote(s)). - Missense variant predicted to be damaging by in silico tool(s) or highly conserved with a major amino acid change. In addition, abnormal splicing is predicted by SpliceAI and the affected nucleotide is highly conserved; Heterozygous variant detected in trans with a second PATHOGENIC heterozygous variant (NM_020771.4(HACE1):c.2464delinsTC; p.(Asp822Serfs*27)) in a recessive disease. Additional information: Variant is predicted to result in a missense amino acid change from Ser to Arg. This variant affects the second last nucleotide of exon 7; however, no functional evidence is available to determine the consequence on splicing; This variant is non-coding in an alternative transcript. This variant is intronic in two of the most highly expressed transcripts; however, it is coding in the MANE transcript, which is also highly expressed in brain tissue (GTEx); This variant is heterozygous; This gene is associated with autosomal recessive disease; This variant has no previous evidence of pathogenicity; No published evidence of segregation with disease has been identified for this variant; No published functional evidence has been identified for this variant; No comparable missense variants have previous evidence for pathogenicity; Variant is located in the annotated ankyrin repeat domain (DECIPHER); Loss of function is a known mechanism of disease in this gene and is associated with spastic paraplegia-severe developmental delay-epilepsy syndrome (MONDO:0014764).

NM_020771.4(HACE1):c.616A>C (p.Ser206Arg)

Gene: HACE1 (HECT domain and ankyrin repeat containing E3 ubiquitin protein ligase 1; minus strand). Cytogenetic location: 6q16.3.
Variant type: single nucleotide variant.
Coding change: c.616A>C on transcript NM_020771.4 (MANE Select); coding-DNA position 616, A replaced by C.
Protein change: p.Ser206Arg; replaces serine 206 with arginine.
Molecular consequence: missense variant. On other transcripts: 5 prime UTR variant (1), non-coding transcript variant (5), intron variant (5).
Genome position (GRCh38, 1-based): chr6:104,811,312, T>G on the plus strand (A>C on the coding strand, the complement: HACE1 is on the minus strand). VCF-style: chr6-104811312-T-G. GRCh37 (hg19) VCF-style: chr6-105259187-T-G.
Other names: c.484A>C, p.Ser162Arg (NM_001321080.2); c.514A>C, p.Ser172Arg (NM_001321083.2); c.382A>C, p.Ser128Arg (NM_001350554.2); c.130A>C, p.Ser44Arg (NM_001350556.2); c.-168A>C (NM_001350560.2); c.327-14287A>C (NM_001350555.2); c.114-14287A>C (NM_001350557.2, NM_001350558.2, NM_001321084.2); c.36-14287A>C (NM_001350559.2); short protein forms S128R, S162R, S172R, S206R, S44R.
Identifiers: ClinVar variation 4879821 (VCV004879821.1).
Genomic context (GRCh38, chr6:104,811,312, plus strand): 5'-ATATATATATATATATATATATGAGCATATATAGCATCTGGAAATATAAAATATCATACC[T>G]GCAAGCAAAGTACAATGGAGTTGCTCCTGATACATTTGGCCTGTTAATATCAGCACCACT-3'
Protein context (NP_065822.2, residues 196-216): SGATPLYFAC[Ser206Arg]HGQRDTAQIL